The following is an entry in ClinVar:

NM_001385875.1(ZFYVE27):c.*1517G>C

Gene: ZFYVE27 (zinc finger FYVE-type containing 27; plus strand). Cytogenetic location: 10q24.2.
Variant type: single nucleotide variant.
Coding change: c.*1517G>C on transcript NM_001385875.1 (MANE Select); 1517 bases downstream of the stop codon, G replaced by C.
Molecular consequence: 3 prime UTR variant. On other transcripts: non-coding transcript variant (17).
Genome position (GRCh38, 1-based): chr10:97,760,817, G>C. VCF-style: chr10-97760817-G-C. GRCh37 (hg19) VCF-style: chr10-99520574-G-C.
Other names: c.*1517G>C (NM_001174122.2, NM_001385871.1, NM_001385880.1 and 39 more transcripts).
Identifiers: ClinVar variation 301867 (VCV000301867.6), dbSNP rs41290466, ClinGen allele CA10637090.

ClinVar aggregate classification (germline): Benign. Review status: criteria provided, multiple submitters, no conflicts (2 of 4 stars). 2 submissions from 2 submitters: Benign (2). Last evaluated 2018-01-12.

Conditions:
Hereditary spastic paraplegia 33. Also called: SPASTIC PARAPLEGIA 33, AUTOSOMAL DOMINANT. Identifiers: MedGen C1853251, MONDO:0012448, OMIM 610244.

Allele frequency attached by ClinVar (database versions not stated): 1000 Genomes Project 0.00339; 1000 Genomes Project 30x 0.00344; TOPMed 0.00569; gnomAD 0.00618.

Submissions (2):

Illumina Laboratory Services, Illumina
Classification: Benign for Hereditary spastic paraplegia 33. Last evaluated: 2018-01-12. Review status: criteria provided, single submitter. Criteria: ICSL Variant Classification Criteria 13 December 2019. Collection method: clinical testing. Allele origin: germline.
Comment: This variant was observed in the ICSL laboratory as part of a predisposition screen in an ostensibly healthy population. It had not been previously curated by ICSL or reported in the Human Gene Mutation Database (HGMD: prior to June 1st, 2018), and was therefore a candidate for classification through an automated scoring system. Utilizing variant allele frequency, disease prevalence and penetrance estimates, and inheritance mode, an automated score was calculated to assess if this variant is too frequent to cause the disease. Based on the score and internal cut-off values, a variant classified as benign is not then subjected to further curation. The score for this variant resulted in a classification of benign for this disease.

Breakthrough Genomics
Classification: Benign. Review status: criteria provided, single submitter. Criteria: ACMG Guidelines, 2015. Collection method: not provided. Allele origin: germline. Inheritance: Autosomal dominant inheritance. Affected: yes.